The following is an entry in ClinVar:

ClinVar aggregate classification (germline): Conflicting classifications of pathogenicity. Review status: criteria provided, conflicting classifications (1 of 4 stars). 4 submissions from 4 submitters: Uncertain significance (3); Likely benign (1). Last evaluated 2025-11-05.

Conditions:
Inborn genetic diseases. Identifiers: MedGen C0950123, MeSH D030342.
Joubert syndrome 3 (JBTS3). Also called: AHI1-related Ciliopathy. Identifiers: Orphanet 220493, MedGen C1837713, MONDO:0012078, OMIM 608629.
Joubert syndrome. Also called: Familial aplasia of the vermis; CEREBELLOPARENCHYMAL DISORDER IV; JOUBERT-BOLTSHAUSER SYNDROME. Identifiers: Orphanet 475, MedGen C5979921, MONDO:0018772.

Allele frequency attached by ClinVar (database versions not stated): gnomAD exomes 0.00001 and 0.00002; ExAC 0.00005; ESP Exome Variant Server 0.00008; gnomAD 0.00009; TOPMed 0.00011; 1000 Genomes Project 30x 0.00016; 1000 Genomes Project 0.00020.
gnomAD v4.1: 33 of 1,613,812 alleles (0.002%); highest among the groups gnomAD compares: African/African-American, 0.037%; no homozygotes.

Submissions (4):

Labcorp Genetics (formerly Invitae), Labcorp
Classification: Likely benign for Joubert syndrome. Last evaluated: 2025-11-05. Review status: criteria provided, single submitter. Criteria: Invitae Variant Classification Sherloc (09022015). Collection method: clinical testing. Allele origin: germline.

Fulgent Genetics
Classification: Uncertain significance for Joubert syndrome 3. Last evaluated: 2024-05-07. Review status: criteria provided, single submitter. Criteria: ACMG Guidelines, 2015. Collection method: clinical testing. Allele origin: germline.

Ambry Genetics
Classification: Uncertain significance for Inborn genetic diseases. Last evaluated: 2023-12-09. Review status: criteria provided, single submitter. Criteria: Ambry Variant Classification Scheme 2023. Collection method: clinical testing. Allele origin: germline.

GeneDx
Classification: Uncertain significance. Last evaluated: 2023-08-01. Review status: criteria provided, single submitter. Criteria: GeneDx Variant Classification Process June 2021. Collection method: clinical testing. Allele origin: germline. Affected: yes.
Comment: In silico analysis supports that this missense variant does not alter protein structure/function; Has not been previously published as pathogenic or benign to our knowledge

NM_001134831.2(AHI1):c.2873A>G (p.Gln958Arg)

Gene: AHI1 (Abelson helper integration site 1; minus strand). Cytogenetic location: 6q23.3.
Variant type: single nucleotide variant.
Coding change: c.2873A>G on transcript NM_001134831.2 (MANE Select); coding-DNA position 2873, A replaced by G.
Protein change: p.Gln958Arg; replaces glutamine 958 with arginine.
Molecular consequence: missense variant.
Genome position (GRCh38, 1-based): chr6:135,411,436, T>C on the plus strand (A>G on the coding strand, the complement: AHI1 is on the minus strand). VCF-style: chr6-135411436-T-C. GRCh37 (hg19) VCF-style: chr6-135732574-T-C.
Other names: c.2873A>G, p.Gln958Arg (NM_001134830.2, NM_001134832.2, NM_001350503.2 and 2 more transcripts); short protein forms Q958R.
Identifiers: ClinVar variation 1038813 (VCV001038813.13), dbSNP rs201771478, ClinGen allele CA4012249.
Genomic context (GRCh38, chr6:135,411,436, plus strand): 5'-AGCTGCATCTTCGTTGAAGAACTTTCAGTGTGGACAAATTCATCAATCTGAAAAGAGCCT[T>C]GATGGGGTAGTTTTGGACAGGTACATAGGGCATCTTGACTTTGGTGTATTCCAGGTAATG-3'
Protein context (NP_001128303.1, residues 948-968): ALCTCPKLPH[Gln958Arg]GSFQIDEFVH